The following is an entry in ClinVar:

ClinVar aggregate classification (germline): Likely benign (1 of 4 stars; one submission).

Submission:

CeGaT Center for Human Genetics Tuebingen
Classification: Likely benign. Last evaluated: 2026-08-01. Review status: criteria provided, single submitter. Criteria: CeGaT Center For Human Genetics Tuebingen Variant Classification Criteria Version 2. Collection method: clinical testing. Allele origin: germline. Affected: yes. Observed: 1 variant allele.
Comment: SRP14: PM2:Supporting, BP4, BP7

NM_003134.6(SRP14):c.375A>T (p.Thr125=)

Gene: SRP14 (signal recognition particle 14; minus strand). Cytogenetic location: 15q15.1.
Variant type: single nucleotide variant.
Coding change: c.375A>T on transcript NM_003134.6 (MANE Select); coding-DNA position 375, A replaced by T.
Protein change: p.Thr125=; no amino-acid change (threonine 125 retained).
Molecular consequence: synonymous variant.
Genome position (GRCh38, 1-based): chr15:40,036,369, T>A on the plus strand (A>T on the coding strand, the complement: SRP14 is on the minus strand). VCF-style: chr15-40036369-T-A. GRCh37 (hg19) VCF-style: chr15-40328570-T-A.
Other names: c.231A>T, p.Thr77= (NM_001309434.1).
Identifiers: ClinVar variation 5039215 (VCV005039215.1).